The following is an entry in ClinVar:

NM_004006.3(DMD):c.31+36946C>T

Gene: DMD (dystrophin; minus strand). Cytogenetic location: Xp21.1.
Variant type: single nucleotide variant.
Coding change: c.31+36946C>T on transcript NM_004006.3 (MANE Select); 36946 bases into the intron after coding-DNA position 31, C replaced by T.
Molecular consequence: intron variant.
Genome position (GRCh38, 1-based): chrX:33,174,336, G>A on the plus strand (C>T on the coding strand, the complement: DMD is on the minus strand). VCF-style: chrX-33174336-G-A. GRCh37 (hg19) VCF-style: chrX-33192453-G-A.
Other names: p.?; c.8-154136C>T (NM_000109.4).
Identifiers: ClinVar variation 94556 (VCV000094556.21), dbSNP rs186833917, ClinGen allele CA285552.
Genomic context (GRCh38, chrX:33,174,336, plus strand): 5'-GAGGAATGGTGAGTTTCCAGGTCACTGGAAACTGAAAGTCTCCTATGAACTCGAGAAGCC[G>A]CAAAACCAAGGAAGAGAAAGAGTAATTTTATAATAAATGTTGCTGTGGATTTCTTCATAT-3'

ClinVar aggregate classification (germline): Benign/Likely benign. Review status: criteria provided, multiple submitters, no conflicts (2 of 4 stars). 8 submissions from 8 submitters: Benign (4); Likely benign (2). 2 of the submissions do not count toward it. Last evaluated 2026-01-12.

Conditions:
DMD-related disorder. Also called: DMD-related condition.
Cardiomyopathy (CMYO). Also called: Cardiomyopathies. Identifiers: Orphanet 167848, MedGen C0878544, MONDO:0004994, HP:0001638. Inheritance: Various modes of inheritance.
Becker muscular dystrophy (BMD). Also called: MUSCULAR DYSTROPHY, PSEUDOHYPERTROPHIC PROGRESSIVE, BECKER TYPE; Becker Muscular Dystrophy (BMD). Identifiers: Orphanet 98895, MedGen C0917713, MONDO:0010311, OMIM 300376.
Duchenne muscular dystrophy (DMD). Also called: Duchenne Muscular Dystrophy (DMD); MUSCULAR DYSTROPHY, PSEUDOHYPERTROPHIC PROGRESSIVE, DUCHENNE TYPE. Identifiers: Orphanet 98896, MedGen C0013264, MONDO:0010679, OMIM 310200.
Dystrophin deficiency.

Allele frequency attached by ClinVar (database versions not stated): 1000 Genomes Project 0.00132; 1000 Genomes Project 30x 0.00166; TOPMed 0.00180; gnomAD 0.00209 and 0.00211.
gnomAD v4.1: 228 of 110,896 alleles (0.21%); highest among the groups gnomAD compares: Non-Finnish European, 0.36%; 1 homozygote.

Submissions (8):

Women's Health and Genetics/Laboratory Corporation of America, LabCorp
Classification: Likely benign. Last evaluated: 2026-01-12. Review status: criteria provided, single submitter. Criteria: LabCorp Variant Classification Summary - May 2015. Collection method: clinical testing. Allele origin: germline.

ARUP Laboratories, Molecular Genetics and Genomics, ARUP Laboratories
Classification: Benign. Last evaluated: 2025-07-15. Review status: criteria provided, single submitter. Criteria: ARUP Molecular Germline Variant Investigation Process 2024. Collection method: clinical testing. Allele origin: germline.

Blueprint Genetics
Classification: Likely benign. Last evaluated: 2024-11-25. Review status: criteria provided, single submitter. Criteria: ACMG Guidelines, 2015. Collection method: clinical testing. Allele origin: germline.

Mayo Clinic Laboratories, Mayo Clinic
Classification: Benign. Last evaluated: 2023-05-01. Review status: criteria provided, single submitter. Criteria: ACMG Guidelines, 2015. Collection method: clinical testing. Allele origin: germline. Observed: 6 variant alleles.
Comment: BS1, BS2

GeneDx
Classification: Benign. Last evaluated: 2014-05-02. Review status: criteria provided, single submitter. Criteria: GeneDx Variant Classification (06012015). Collection method: clinical testing. Allele origin: germline. Affected: yes.
Comment: This variant is considered likely benign or benign based on one or more of the following criteria: it is a conservative change, it occurs at a poorly conserved position in the protein, it is predicted to be benign by multiple in silico algorithms, and/or has population frequency not consistent with disease.

Eurofins Ntd Llc (ga)
Classification: Benign. Last evaluated: 2013-09-25. Review status: criteria provided, single submitter. Criteria: EGL Classification Definitions 2015. Collection method: clinical testing. Allele origin: germline. Observed: 3 variant alleles, 2 heterozygotes, 1 hemizygote.

PreventionGenetics, part of Exact Sciences
Classification: Likely benign for DMD-related condition. Last evaluated: 2020-03-02. Review status: no assertion criteria provided. Collection method: clinical testing. Allele origin: germline. Not counted in ClinVar's aggregate classification.
Comment: This variant is classified as likely benign based on ACMG/AMP sequence variant interpretation guidelines (Richards et al. 2015 PMID: 25741868, with internal and published modifications).

Natera, Inc.
Classification: Likely benign for Becker muscular dystrophy; Cardiomyopathy; Duchenne muscular dystrophy; Dystrophin deficiency. Last evaluated: 2017-08-10. Review status: no assertion criteria provided. Collection method: clinical testing. Allele origin: germline. Not counted in ClinVar's aggregate classification.